The following is an entry in ClinVar:

ClinVar aggregate classification (germline): Uncertain significance. Review status: criteria provided, multiple submitters, no conflicts (2 of 4 stars). 2 submissions from 2 submitters: Uncertain significance (2). Last evaluated 2025-01-19.

Conditions:
Tyrosinemia type II (TYRSN2). Also called: TAT DEFICIENCY; TYROSINE AMINOTRANSFERASE DEFICIENCY; TYROSINE TRANSAMINASE DEFICIENCY; KERATOSIS PALMOPLANTARIS WITH CORNEAL DYSTROPHY; OREGON TYPE TYROSINEMIA. Identifiers: Orphanet 28378, MedGen C0268487, MONDO:0010160, OMIM 276600.

Allele frequency attached by ClinVar (database versions not stated): ExAC 0.00002; gnomAD exomes 0.00002; gnomAD 0.00005 and 0.00006; TOPMed 0.00009.
gnomAD v4.1: 21 of 1,613,242 alleles (0.0013%); highest among the groups gnomAD compares: Admixed American, 0.018%; no homozygotes.

Submissions (2):

Women's Health and Genetics/Laboratory Corporation of America, LabCorp
Classification: Uncertain significance. Last evaluated: 2025-01-19. Review status: criteria provided, single submitter. Criteria: LabCorp Variant Classification Summary - May 2015. Collection method: clinical testing. Allele origin: germline.

Labcorp Genetics (formerly Invitae), Labcorp
Classification: Uncertain significance for Tyrosinemia type II. Last evaluated: 2019-08-30. Review status: criteria provided, single submitter. Criteria: Invitae Variant Classification Sherloc (09022015). Collection method: clinical testing. Allele origin: germline.
Comment: This sequence change falls in intron 7 of the TAT gene. It does not directly change the encoded amino acid sequence of the TAT protein, but it affects a nucleotide within the consensus splice site of the intron. This variant is present in population databases (rs767912599, ExAC 0.03%). This variant has not been reported in the literature in individuals with TAT-related conditions. Nucleotide substitutions within the consensus splice site are a relatively common cause of aberrant splicing (PMID: 17576681, 9536098). Algorithms developed to predict the effect of sequence changes on RNA splicing suggest that this variant may disrupt the consensus splice site, but this prediction has not been confirmed by published transcriptional studies. In summary, the available evidence is currently insufficient to determine the role of this variant in disease. Therefore, it has been classified as a Variant of Uncertain Significance.

Literature cited by the submitters: PubMed 17576681 (cited by Labcorp Genetics (formerly Invitae), Labcorp); PubMed 9536098 (cited by Labcorp Genetics (formerly Invitae), Labcorp).

NM_000353.3(TAT):c.759+5G>A

Genes: TAT (tyrosine aminotransferase; minus strand), TAT-AS1 (TAT antisense RNA 1; plus strand). Cytogenetic location: 16q22.2.
Variant type: single nucleotide variant.
Coding change: c.759+5G>A on transcript NM_000353.3 (MANE Select); 5 bases into the intron after coding-DNA position 759, G replaced by A.
Molecular consequence: intron variant.
Genome position (GRCh38, 1-based): chr16:71,571,601, C>T on the plus strand (G>A on the coding strand, the complement: TAT is on the minus strand). VCF-style: chr16-71571601-C-T. GRCh37 (hg19) VCF-style: chr16-71605504-C-T.
Identifiers: ClinVar variation 972554 (VCV000972554.5), dbSNP rs767912599, ClinGen allele CA8153910.